The following is an entry in ClinVar:

NM_000051.4(ATM):c.1968_1977del (p.Phe657fs)

Gene: ATM (ATM serine/threonine kinase; plus strand). Cytogenetic location: 11q22.3.
Variant type: Deletion.
Coding change: c.1968_1977del on transcript NM_000051.4 (MANE Select); coding-DNA positions 1968 to 1977, 10 bases deleted (TTTTGACAAG; older notation c.1968_1977delTTTTGACAAG).
Protein change: p.Phe657fs; shifts the reading frame from phenylalanine 657.
Molecular consequence: frameshift variant.
Genome position (GRCh38, 1-based): chr11:108,253,883-108,253,892, TTTTGACAAG deleted. VCF-style (leftmost placement, unchanged base first): chr11-108253882-CTTTTGACAAG-C. GRCh37 (hg19) VCF-style: chr11-108124609-CTTTTGACAAG-C.
Other names: c.1968_1977del, p.Phe657fs (NM_001351834.2); short protein forms F657fs.
Identifiers: ClinVar variation 3653075 (VCV003653075.2).

ClinVar aggregate classification (germline): Pathogenic (1 of 4 stars; one submission).

Conditions:
Ataxia-telangiectasia syndrome (AT). Also called: LOUIS-BAR SYNDROME; Cerebello-oculocutaneous telangiectasia; Immunodeficiency with ataxia telangiectasia; ATAXIA-TELANGIECTASIA, COMPLEMENTATION GROUP A; ATAXIA-TELANGIECTASIA, FRESNO VARIANT; Ataxia-telangiectasia, complementation group D. Identifiers: Orphanet 100, MedGen C0004135, MONDO:0008840, OMIM 208900.

Submission:

Labcorp Genetics (formerly Invitae), Labcorp
Classification: Pathogenic for Ataxia-telangiectasia syndrome. Last evaluated: 2024-05-30. Review status: criteria provided, single submitter. Criteria: Invitae Variant Classification Sherloc (09022015). Collection method: clinical testing. Allele origin: germline.
Comment: This sequence change creates a premature translational stop signal (p.Phe657Trpfs*4) in the ATM gene. It is expected to result in an absent or disrupted protein product. Loss-of-function variants in ATM are known to be pathogenic (PMID: 23807571, 25614872). This variant is not present in population databases (gnomAD no frequency). This variant has not been reported in the literature in individuals affected with ATM-related conditions. For these reasons, this variant has been classified as Pathogenic.

Literature cited by the submitters: PubMed 23807571; PubMed 25614872.